The following is an entry in ClinVar:

NM_001042492.3(NF1):c.4411_4416del (p.Asn1471_Phe1472del)

Gene: NF1 (neurofibromin 1; plus strand). Cytogenetic location: 17q11.2.
Variant type: Deletion.
Coding change: c.4411_4416del on transcript NM_001042492.3 (MANE Select); coding-DNA positions 4411 to 4416, 6 bases deleted (AACTTT; older notation c.4411_4416delAACTTT).
Protein change: p.Asn1471_Phe1472del.
Molecular consequence: inframe deletion. On other transcripts: inframe indel (1).
Genome position (GRCh38, 1-based): chr17:31,259,110-31,259,115, AACTTT deleted. VCF-style (leftmost placement, unchanged base first): chr17-31259109-CAACTTT-C. GRCh37 (hg19) VCF-style: chr17-29586127-CAACTTT-C.
Other names: c.4348_4353delAACTTT, p.Asn1450_Phe1451del (NM_000267.4).
Identifiers: ClinVar variation 1371274 (VCV001371274.8), dbSNP rs2151463175, ClinGen allele CA2573153630.

ClinVar aggregate classification (germline): Uncertain significance (1 of 4 stars; one submission).

Conditions:
Neurofibromatosis, type 1 (NF1). Also called: Peripheral type neurofibromatosis; Neurofibromatosis, type I; NEUROFIBROMATOSIS, TYPE I, SOMATIC; VON RECKLINGHAUSEN DISEASE. Identifiers: Orphanet 636, MedGen C0027831, MONDO:0018975, OMIM 162200. Disease mechanism: loss of function.

Submission:

Labcorp Genetics (formerly Invitae), Labcorp
Classification: Uncertain significance for Neurofibromatosis, type 1. Last evaluated: 2021-02-12. Review status: criteria provided, single submitter. Criteria: Invitae Variant Classification Sherloc (09022015). Collection method: clinical testing. Allele origin: germline.
Comment: In summary, the available evidence is currently insufficient to determine the role of this variant in disease. Therefore, it has been classified as a Variant of Uncertain Significance. Experimental studies and prediction algorithms are not available or were not evaluated, and the functional significance of this variant is currently unknown. This variant has not been reported in the literature in individuals with NF1-related conditions. This variant is not present in population databases (ExAC no frequency). This variant, c.4348_4353del, results in the deletion of 2 amino acid(s) of the NF1 protein (p.Asn1450_Phe1451del), but otherwise preserves the integrity of the reading frame.